The following is an entry in ClinVar:

NM_000038.6(APC):c.6649C>G (p.Leu2217Val)

Gene: APC (APC regulator of Wnt signaling pathway; plus strand). Cytogenetic location: 5q22.2.
Variant type: single nucleotide variant.
Coding change: c.6649C>G on transcript NM_000038.6 (MANE Select); coding-DNA position 6649, C replaced by G.
Protein change: p.Leu2217Val; replaces leucine 2217 with valine.
Molecular consequence: missense variant. On other transcripts: non-coding transcript variant (2).
Genome position (GRCh38, 1-based): chr5:112,842,243, C>G. VCF-style: chr5-112842243-C-G. GRCh37 (hg19) VCF-style: chr5-112177940-C-G.
Other names: c.6649C>G, p.Leu2217Val (NM_001127510.3, NM_001354895.2, NM_001407450.1); c.6595C>G, p.Leu2199Val (NM_001127511.3); c.6703C>G, p.Leu2235Val (NM_001354896.2, NM_001407447.1, NM_001407448.1 and 1 more transcripts); c.6679C>G, p.Leu2227Val (NM_001354897.2); c.6574C>G, p.Leu2192Val (NM_001354898.2); c.6565C>G, p.Leu2189Val (NM_001354899.2); c.6526C>G, p.Leu2176Val (NM_001354900.2); c.6472C>G, p.Leu2158Val (NM_001354901.2, NM_001407453.1); and 11 more; short protein forms L1833V, L1934V, L2057V, L2088V, L2091V, L2116V, L2126V, L2134V.
Identifiers: ClinVar variation 4801510 (VCV004801510.1).

ClinVar aggregate classification (germline): Uncertain significance (1 of 4 stars; one submission).

Conditions:
Familial adenomatous polyposis 1 (FAP1). Also called: FAMILIAL ADENOMATOUS POLYPOSIS 1, ATTENUATED; POLYPOSIS, ADENOMATOUS INTESTINAL. Identifiers: MedGen C2713442, MONDO:0021056, OMIM 175100. Disease mechanism: loss of function.

gnomAD v4.1: 2 of 1,614,040 alleles (0.00012%); highest among the groups gnomAD compares: South Asian, 0.0011%; no homozygotes.

Submission:

Labcorp Genetics (formerly Invitae), Labcorp
Classification: Uncertain significance for Familial adenomatous polyposis 1. Last evaluated: 2025-04-10. Review status: criteria provided, single submitter. Criteria: Invitae Variant Classification Sherloc (09022015). Collection method: clinical testing. Allele origin: germline.
Comment: This sequence change replaces leucine, which is neutral and non-polar, with valine, which is neutral and non-polar, at codon 2217 of the APC protein (p.Leu2217Val). This variant is not present in population databases (gnomAD no frequency). This variant has not been reported in the literature in individuals affected with APC-related conditions. Invitae Evidence Modeling of protein sequence and biophysical properties (such as structural, functional, and spatial information, amino acid conservation, physicochemical variation, residue mobility, and thermodynamic stability) indicates that this missense variant is not expected to disrupt APC protein function with a negative predictive value of 95%. In summary, the available evidence is currently insufficient to determine the role of this variant in disease. Therefore, it has been classified as a Variant of Uncertain Significance.